The following is an entry in ClinVar:

NM_177438.3(DICER1):c.642_643del (p.Cys214_Asp215delinsTer)

Gene: DICER1 (dicer 1, ribonuclease III; minus strand). Cytogenetic location: 14q32.13.
Variant type: Microsatellite.
Coding change: c.642_643del on transcript NM_177438.3 (MANE Select); coding-DNA positions 642 to 643, 2 bases deleted (TG; older notation c.642_643delTG).
Protein change: p.Cys214_Asp215delinsTer.
Molecular consequence: nonsense. On other transcripts: frameshift variant (3), 5 prime UTR variant (1), non-coding transcript variant (6).
Genome position (GRCh38, 1-based): chr14:95,129,563-95,129,564, CA deleted on the plus strand (TG on the coding strand, the reverse complement: DICER1 is on the minus strand); deleting any 2 consecutive bases within chr14:95,129,563-95,129,566 gives the same sequence; the c. name uses the placement nearest the transcript's 3' end. VCF-style (leftmost placement, unchanged base first): chr14-95129562-TCA-T. GRCh37 (hg19) VCF-style: chr14-95595899-TCA-T.
Other names: c.642_643del, p.Cys214_Asp215delinsTer (NM_001195573.1, NM_001271282.3, NM_001291628.2 and 14 more transcripts); c.640_641TG[1], p.Cys214Terfs (NM_001395681.1, NM_177438.2); c.360_361del, p.Cys120_Asp121delinsTer (NM_001395686.1); c.237_238del, p.Cys79_Asp80delinsTer (NM_001395687.1, NM_001395688.1, NM_001395689.1 and 3 more transcripts); c.75_76del, p.Cys25_Asp26delinsTer (NM_001395691.1); c.-929TG[1] (NM_001395697.1); c.642_643delTG (NM_177438.2).
Identifiers: ClinVar variation 1753435 (VCV001753435.2), dbSNP rs2543283130, ClinGen allele CA2580613753.

ClinVar aggregate classification (germline): Pathogenic (1 of 4 stars; one submission).

Conditions:
Hereditary cancer-predisposing syndrome. Also called: Neoplastic Syndromes, Hereditary; Tumor predisposition; Hereditary Cancer Syndrome; Hereditary neoplastic syndrome. Identifiers: Orphanet 140162, MedGen C0027672, MeSH D009386, MONDO:0015356.

Submission:

Ambry Genetics
Classification: Pathogenic for Hereditary cancer-predisposing syndrome. Last evaluated: 2020-01-02. Review status: criteria provided, single submitter. Criteria: Ambry Variant Classification Scheme 2023. Collection method: clinical testing. Allele origin: germline.
Comment: The c.642_643delTG variant, located in coding exon 5 of the DICER1 gene, results from a deletion of two nucleotides at nucleotide positions 642 to 643, causing a translational frameshift with a predicted alternate stop codon (p.C214*). This alteration is expected to result in loss of function by premature protein truncation or nonsense-mediated mRNA decay. As such, this alteration is interpreted as a disease-causing mutation.